The following is an entry in ClinVar:

NM_005481.3(MED16):c.664GGC[4] (p.Gly224_Asn225insGly)

Gene: MED16 (mediator complex subunit 16; minus strand). Cytogenetic location: 19p13.3.
Variant type: Microsatellite.
Coding change: c.664GGC[4] on transcript NM_005481.3 (MANE Select); four copies in a row of the 3-base unit GGC starting at c.664; the reference has three copies in a row; one copy, 3 bases duplicated.
Protein change: p.Gly224_Asn225insGly.
Molecular consequence: inframe insertion.
Genome position (GRCh38, 1-based): chr19:885,977-885,979, GCC duplicated on the plus strand (GGC on the coding strand, the reverse complement: MED16 is on the minus strand); duplicating any 3 consecutive bases within chr19:885,977-885,986 gives the same sequence; the position shown is the placement nearest the transcript's 3' end. VCF-style (leftmost placement, unchanged base first): chr19-885976-T-TGCC. GRCh37 (hg19) VCF-style: chr19-885976-T-TGCC.
Identifiers: ClinVar variation 5018388 (VCV005018388.1).

ClinVar aggregate classification (germline): Uncertain significance (1 of 4 stars; one submission).

Submission:

GeneDx
Classification: Uncertain significance. Last evaluated: 2026-04-09. Review status: criteria provided, single submitter. Criteria: GeneDx Variant Classification Process June 2021. Collection method: clinical testing. Allele origin: germline.
Comment: Not observed at significant frequency in large population cohorts (gnomAD); Has not been previously published as pathogenic or benign to our knowledge; In-frame duplication of 1 amino acid in a non-repeat region